The following is an entry in ClinVar:

NM_001267550.2(TTN):c.7553T>G (p.Ile2518Arg)

Gene: TTN (titin; minus strand). Cytogenetic location: 2q31.2.
Variant type: single nucleotide variant.
Coding change: c.7553T>G on transcript NM_001267550.2 (MANE Select); coding-DNA position 7553, T replaced by G.
Protein change: p.Ile2518Arg; replaces isoleucine 2518 with arginine.
Molecular consequence: missense variant.
Genome position (GRCh38, 1-based): chr2:178,773,503, A>C on the plus strand (T>G on the coding strand, the complement: TTN is on the minus strand). VCF-style: chr2-178773503-A-C. GRCh37 (hg19) VCF-style: chr2-179638230-A-C.
Other names: c.7553T>G, p.Ile2518Arg (NM_001256850.1, NM_133378.4, NM_133379.5); c.7415T>G, p.Ile2472Arg (NM_003319.4, NM_133432.3, NM_133437.4); short protein forms I2472R, I2518R.
Identifiers: ClinVar variation 2651718 (VCV002651718.24), dbSNP rs1319910280, ClinGen allele CA349679899.
Genomic context (GRCh38, chr2:178,773,503, plus strand): 5'-TAGGTAGAATAATCCTTACTTTCTACAGAGAGATTACAGTTGGTTTCAACTCTGCCAACT[A>C]TCAGCTTGTAAGGTCCTTCGTCTGAAGCATGAGTTCGGTTAATGACTAGTCGCTGTTTAG-3'
Protein context (NP_001254479.2, residues 2508-2528): HASDEGPYKL[Ile2518Arg]VGRVETNCNL

ClinVar aggregate classification (germline): Uncertain significance (1 of 4 stars; one submission).

Submission:

CeGaT Center for Human Genetics Tuebingen
Classification: Uncertain significance. Last evaluated: 2022-09-01. Review status: criteria provided, single submitter. Criteria: CeGaT Center For Human Genetics Tuebingen Variant Classification Criteria Version 2. Collection method: clinical testing. Allele origin: germline. Affected: yes. Observed: 1 variant allele.
Comment: TTN: PM2, BP4